The following is an entry in ClinVar:

NM_001378454.1(ALMS1):c.3049T>A (p.Trp1017Arg)

Gene: ALMS1 (ALMS1 centrosome and basal body associated protein; plus strand). Cytogenetic location: 2p13.1.
Variant type: single nucleotide variant.
Coding change: c.3049T>A on transcript NM_001378454.1 (MANE Select); coding-DNA position 3049, T replaced by A.
Protein change: p.Trp1017Arg; replaces tryptophan 1017 with arginine.
Molecular consequence: missense variant.
Genome position (GRCh38, 1-based): chr2:73,449,576, T>A. VCF-style: chr2-73449576-T-A. GRCh37 (hg19) VCF-style: chr2-73676703-T-A.
Other names: c.3052T>A, p.Trp1018Arg (NM_015120.4); short protein forms W1018R, W1017R.
Identifiers: ClinVar variation 2199215 (VCV002199215.2), dbSNP rs997927277, ClinGen allele CA50392119.

ClinVar aggregate classification (germline): Conflicting classifications of pathogenicity. Review status: criteria provided, conflicting classifications (1 of 4 stars). 2 submissions from 2 submitters: Uncertain significance (1); Likely benign (1). Last evaluated 2024-05-17.

Conditions:
Cardiovascular phenotype. Identifiers: MedGen CN230736.
Alstrom syndrome (ALMS). Identifiers: Orphanet 64, MedGen C0268425, MONDO:0008763, OMIM 203800.

Allele frequency attached by ClinVar (database versions not stated): gnomAD exomes below 0.00001.
gnomAD v4.1: 6 of 1,613,942 alleles (0.00037%); highest among the groups gnomAD compares: Admixed American, 0.0083%; no homozygotes.

Submissions (2):

Ambry Genetics
Classification: Likely benign for Cardiovascular phenotype. Last evaluated: 2024-05-17. Review status: criteria provided, single submitter. Criteria: Ambry Variant Classification Scheme 2023. Collection method: clinical testing. Allele origin: germline.

Labcorp Genetics (formerly Invitae), Labcorp
Classification: Uncertain significance for Alstrom syndrome. Last evaluated: 2022-08-16. Review status: criteria provided, single submitter. Criteria: Invitae Variant Classification Sherloc (09022015). Collection method: clinical testing. Allele origin: germline.
Comment: This sequence change replaces tryptophan, which is neutral and slightly polar, with arginine, which is basic and polar, at codon 1018 of the ALMS1 protein (p.Trp1018Arg). This variant is not present in population databases (gnomAD no frequency). This variant has not been reported in the literature in individuals affected with ALMS1-related conditions. Experimental studies and prediction algorithms are not available or were not evaluated, and the functional significance of this variant is currently unknown. In summary, the available evidence is currently insufficient to determine the role of this variant in disease. Therefore, it has been classified as a Variant of Uncertain Significance.